The following is an entry in ClinVar:

NM_139057.4(ADAMTS17):c.1323-2A>G

Gene: ADAMTS17 (ADAM metallopeptidase with thrombospondin type 1 motif 17; minus strand). Cytogenetic location: 15q26.3.
Variant type: single nucleotide variant.
Coding change: c.1323-2A>G on transcript NM_139057.4 (MANE Select); the canonical splice acceptor site of the intron before coding-DNA position 1323, A replaced by G.
Molecular consequence: splice acceptor variant.
Genome position (GRCh38, 1-based): chr15:100,152,764, T>C on the plus strand (A>G on the coding strand, the complement: ADAMTS17 is on the minus strand). VCF-style: chr15-100152764-T-C. GRCh37 (hg19) VCF-style: chr15-100692969-T-C.
Identifiers: ClinVar variation 2132332 (VCV002132332.4), dbSNP rs2039235887, ClinGen allele CA393934364.

ClinVar aggregate classification (germline): Likely pathogenic (1 of 4 stars; one submission).

Allele frequency attached by ClinVar (database versions not stated): gnomAD exomes below 0.00001; TOPMed below 0.00001.
gnomAD v4.1: 1 of 1,614,116 alleles (0.000062%); highest among the groups gnomAD compares: Non-Finnish European, 0.000085%; no homozygotes.

Submission:

Labcorp Genetics (formerly Invitae), Labcorp
Classification: Likely pathogenic. Last evaluated: 2023-01-10. Review status: criteria provided, single submitter. Criteria: Invitae Variant Classification Sherloc (09022015). Collection method: clinical testing. Allele origin: germline.
Comment: In summary, the currently available evidence indicates that the variant is pathogenic, but additional data are needed to prove that conclusively. Therefore, this variant has been classified as Likely Pathogenic. Algorithms developed to predict the effect of sequence changes on RNA splicing suggest that this variant may disrupt the consensus splice site. This variant has not been reported in the literature in individuals affected with ADAMTS17-related conditions. This variant is not present in population databases (gnomAD no frequency). This sequence change affects an acceptor splice site in intron 9 of the ADAMTS17 gene. It is expected to disrupt RNA splicing. Variants that disrupt the donor or acceptor splice site typically lead to a loss of protein function (PMID: 16199547), and loss-of-function variants in ADAMTS17 are known to be pathogenic (PMID: 19836009, 24940034).

Literature cited by the submitters: PubMed 16199547; PubMed 19836009; PubMed 24940034.